The following is an entry in ClinVar:

ClinVar aggregate classification (germline): Likely benign (1 of 4 stars; one submission).

Submission:

CeGaT Center for Human Genetics Tuebingen
Classification: Likely benign. Last evaluated: 2022-07-01. Review status: criteria provided, single submitter. Criteria: CeGaT Center For Human Genetics Tuebingen Variant Classification Criteria Version 2. Collection method: clinical testing. Allele origin: germline. Affected: yes. Observed: 1 variant allele.
Comment: TRIO: BP4, BP7

NM_007118.4(TRIO):c.8973C>T (p.Pro2991=)

Gene: TRIO (trio Rho guanine nucleotide exchange factor; plus strand). Cytogenetic location: 5p15.2.
Variant type: single nucleotide variant.
Coding change: c.8973C>T on transcript NM_007118.4 (MANE Select); coding-DNA position 8973, C replaced by T.
Protein change: p.Pro2991=; no amino-acid change (proline 2991 retained).
Molecular consequence: synonymous variant. On other transcripts: non-coding transcript variant (1).
Genome position (GRCh38, 1-based): chr5:14,508,101, C>T. VCF-style: chr5-14508101-C-T. GRCh37 (hg19) VCF-style: chr5-14508210-C-T.
Identifiers: ClinVar variation 2655362 (VCV002655362.24), dbSNP rs1231002859, ClinGen allele CA443538161.